The following is an entry in ClinVar:

ClinVar aggregate classification (germline): Uncertain significance. Review status: criteria provided, multiple submitters, no conflicts (2 of 4 stars). 3 submissions from 3 submitters: Uncertain significance (2). 1 of the submissions does not count toward it. Last evaluated 2026-01-13.

Conditions:
Inborn genetic diseases. Identifiers: MedGen C0950123, MeSH D030342.
MBD4-related disorder. Also called: MBD4-related condition.

Allele frequency attached by ClinVar (database versions not stated): gnomAD exomes 0.00006; ESP Exome Variant Server 0.00008; gnomAD 0.00009; ExAC 0.00010; TOPMed 0.00013; 1000 Genomes Project 0.00020; 1000 Genomes Project 30x 0.00031.
gnomAD v4.1: 106 of 1,605,950 alleles (0.0066%); highest among the groups gnomAD compares: Admixed American, 0.048%; no homozygotes.

Submissions (3):

Labcorp Genetics (formerly Invitae), Labcorp
Classification: Uncertain significance. Last evaluated: 2026-01-13. Review status: criteria provided, single submitter. Criteria: Invitae Variant Classification Sherloc (09022015). Collection method: clinical testing. Allele origin: germline.
Comment: This sequence change replaces leucine, which is neutral and non-polar, with arginine, which is basic and polar, at codon 116 of the MBD4 protein (p.Leu116Arg). This variant is present in population databases (rs200082149, gnomAD 0.05%). This variant has not been reported in the literature in individuals affected with MBD4-related conditions. ClinVar contains an entry for this variant (Variation ID: 2713242). An algorithm developed to predict the effect of missense changes on protein structure and function (PolyPhen-2) suggests that this variant is likely to be disruptive. In summary, the available evidence is currently insufficient to determine the role of this variant in disease. Therefore, it has been classified as a Variant of Uncertain Significance.

Ambry Genetics
Classification: Uncertain significance for Inborn genetic diseases. Last evaluated: 2024-01-19. Review status: criteria provided, single submitter. Criteria: Ambry Variant Classification Scheme 2023. Collection method: clinical testing. Allele origin: germline.

PreventionGenetics, part of Exact Sciences
Classification: Uncertain significance for MBD4-related condition. Last evaluated: 2023-12-21. Review status: no assertion criteria provided. Collection method: clinical testing. Allele origin: germline. Not counted in ClinVar's aggregate classification.
Comment: The MBD4 c.347T>G variant is predicted to result in the amino acid substitution p.Leu116Arg. To our knowledge, this variant has not been reported in the literature. This variant is reported in 0.054% of alleles in individuals of Latino descent in gnomAD. Although we suspect that this variant may be benign, at this time, the clinical significance of this variant is uncertain due to the absence of conclusive functional and genetic evidence.

NM_001276270.2(MBD4):c.347T>G (p.Leu116Arg)

Gene: MBD4 (methyl-CpG binding domain 4, DNA glycosylase; minus strand). Cytogenetic location: 3q21.3.
Variant type: single nucleotide variant.
Coding change: c.347T>G on transcript NM_001276270.2 (MANE Select); coding-DNA position 347, T replaced by G.
Protein change: p.Leu116Arg; replaces leucine 116 with arginine.
Molecular consequence: missense variant. On other transcripts: intron variant (1).
Genome position (GRCh38, 1-based): chr3:129,437,297, A>C on the plus strand (T>G on the coding strand, the complement: MBD4 is on the minus strand). VCF-style: chr3-129437297-A-C. GRCh37 (hg19) VCF-style: chr3-129156140-A-C.
Other names: c.347T>G (NM_003925.2, NM_003925.1); c.347T>G, p.Leu116Arg (NM_001276271.2, NM_001276272.2, NM_003925.3); c.247+511T>G (NM_001276273.2); short protein forms L116R.
Identifiers: ClinVar variation 2713242 (VCV002713242.6), dbSNP rs200082149, ClinGen allele CA2605535.
Genomic context (GRCh38, chr3:129,437,297, plus strand): 5'-AGAGAAGTCTCTCCATTTTTGTGAAGATAATTAGCAAGTGAACTTTTGGATCTGAACTTC[A>C]GTCCTTGTGGGCTAGAAAATGATATTAAAGGAAACTTACTGCTAGTAAATAGAAGGGACT-3'
Protein context (NP_001263199.1, residues 106-126): FDVYFISPQG[Leu116Arg]KFRSKSSLAN